The following is an entry in ClinVar:

ClinVar aggregate classification (germline): Uncertain significance. Review status: criteria provided, single submitter (1 of 4 stars). 2 submissions from 2 submitters: Uncertain significance (1). 1 of the submissions does not count toward it. Last evaluated 2024-01-16.

Conditions:
Glucose-6-phosphate transport defect (GSD1B). Also called: Glycogen Storage Disease Type Ib; GSD Ib. Identifiers: Orphanet 364, Orphanet 79259, MedGen C0268146, MONDO:0009288, OMIM 232220.

Allele frequency attached by ClinVar (database versions not stated): gnomAD exomes below 0.00001.

Submissions (2):

Labcorp Genetics (formerly Invitae), Labcorp
Classification: Uncertain significance for Glucose-6-phosphate transport defect. Last evaluated: 2024-01-16. Review status: criteria provided, single submitter. Criteria: Invitae Variant Classification Sherloc (09022015). Collection method: clinical testing. Allele origin: germline.
Comment: This sequence change replaces glutamine, which is neutral and polar, with glutamic acid, which is acidic and polar, at codon 73 of the SLC37A4 protein (p.Gln73Glu). This variant is not present in population databases (gnomAD no frequency). This variant has not been reported in the literature in individuals affected with SLC37A4-related conditions. ClinVar contains an entry for this variant (Variation ID: 552116). Advanced modeling of protein sequence and biophysical properties (such as structural, functional, and spatial information, amino acid conservation, physicochemical variation, residue mobility, and thermodynamic stability) has been performed at Invitae for this missense variant, however the output from this modeling did not meet the statistical confidence thresholds required to predict the impact of this variant on SLC37A4 protein function. In summary, the available evidence is currently insufficient to determine the role of this variant in disease. Therefore, it has been classified as a Variant of Uncertain Significance.

Counsyl
Classification: Uncertain significance for Glucose-6-phosphate transport defect. Last evaluated: 2017-05-23. Review status: no assertion criteria provided. Collection method: clinical testing. Allele origin: unknown. Not counted in ClinVar's aggregate classification.

NM_001164277.2(SLC37A4):c.217C>G (p.Gln73Glu)

Gene: SLC37A4 (solute carrier family 37 member 4; minus strand). Cytogenetic location: 11q23.3.
Variant type: single nucleotide variant.
Coding change: c.217C>G on transcript NM_001164277.2 (MANE Select); coding-DNA position 217, C replaced by G.
Protein change: p.Gln73Glu; replaces glutamine 73 with glutamic acid.
Molecular consequence: missense variant. On other transcripts: 5 prime UTR variant (1).
Genome position (GRCh38, 1-based): chr11:119,028,358, G>C on the plus strand (C>G on the coding strand, the complement: SLC37A4 is on the minus strand). VCF-style: chr11-119028358-G-C. GRCh37 (hg19) VCF-style: chr11-118899068-G-C.
Other names: c.217C>G, p.Gln73Glu (NM_001164278.2, NM_001164280.2, NM_001467.6); c.-3C>G (NM_001164279.2); short protein forms Q73E.
Identifiers: ClinVar variation 552116 (VCV000552116.5), dbSNP rs1555191604, ClinGen allele CA382906006.